The following is an entry in ClinVar:

ClinVar aggregate classification (germline): Uncertain significance (1 of 4 stars; one submission).

gnomAD v4.1: 8 of 1,551,916 alleles (0.00052%); highest among the groups gnomAD compares: East Asian, 0.0024%; no homozygotes.

Submission:

Labcorp Genetics (formerly Invitae), Labcorp
Classification: Uncertain significance. Last evaluated: 2025-03-16. Review status: criteria provided, single submitter. Criteria: Invitae Variant Classification Sherloc (09022015). Collection method: clinical testing. Allele origin: germline.
Comment: This sequence change replaces serine, which is neutral and polar, with proline, which is neutral and non-polar, at codon 777 of the FAM65B protein (p.Ser777Pro). This variant is present in population databases (no rsID available, gnomAD 0.008%). This variant has not been reported in the literature in individuals affected with FAM65B-related conditions. An algorithm developed to predict the effect of missense changes on protein structure and function (PolyPhen-2) suggests that this variant is likely to be disruptive. In summary, the available evidence is currently insufficient to determine the role of this variant in disease. Therefore, it has been classified as a Variant of Uncertain Significance.

NM_001286445.3(RIPOR2):c.2266T>C (p.Ser756Pro)

Gene: RIPOR2 (RHO family interacting cell polarization regulator 2; minus strand). Cytogenetic location: 6p22.3.
Variant type: single nucleotide variant.
Coding change: c.2266T>C on transcript NM_001286445.3 (MANE Select); coding-DNA position 2266, T replaced by C.
Protein change: p.Ser756Pro; replaces serine 756 with proline.
Molecular consequence: missense variant.
Genome position (GRCh38, 1-based): chr6:24,832,334, A>G on the plus strand (T>C on the coding strand, the complement: RIPOR2 is on the minus strand). VCF-style: chr6-24832334-A-G. GRCh37 (hg19) VCF-style: chr6-24832562-A-G.
Other names: c.2179T>C, p.Ser727Pro (NM_001346031.2, NM_001346032.2); c.2329T>C, p.Ser777Pro (NM_014722.5); short protein forms S727P, S756P, S777P.
Identifiers: ClinVar variation 4693811 (VCV004693811.1).